The following is an entry in ClinVar:

ClinVar aggregate classification (germline): Uncertain significance. Review status: criteria provided, multiple submitters, no conflicts (2 of 4 stars). 2 submissions from 2 submitters: Uncertain significance (2). Last evaluated 2025-12-23.

Conditions:
TTN-related disorder. Also called: TTN-related disorders; TTN-related condition; TTN-related disease.
Cardiovascular phenotype. Identifiers: MedGen CN230736.

Allele frequency attached by ClinVar (database versions not stated): ExAC 0.00001; TOPMed 0.00002; gnomAD 0.00005; gnomAD exomes 0.00008; 1000 Genomes Project 30x 0.00016; 1000 Genomes Project 0.00020.
gnomAD v4.1: 117 of 1,613,594 alleles (0.0073%); highest among the groups gnomAD compares: East Asian, 0.24%; no homozygotes.

Submissions (2):

PreventionGenetics, part of Exact Sciences
Classification: Uncertain significance for TTN-related condition. Last evaluated: 2025-12-23. Review status: criteria provided, single submitter. Criteria: ACMG Guidelines, 2015. Collection method: clinical testing. Allele origin: germline.
Comment: The TTN c.12860A>G variant is predicted to result in the amino acid substitution p.Tyr4287Cys. This variant has been reported in an individual with inherited primary arrhythmia syndrome (IPAS) (Table S2, Ichikawa et al. 2016. PubMed ID: 27784853). This variant has not been reported in a large population database (gnomAD), indicating this variant is rare. At this time, the clinical significance of this variant is uncertain due to the absence of conclusive functional and genetic evidence.

Ambry Genetics
Classification: Uncertain significance for Cardiovascular phenotype. Last evaluated: 2020-04-27. Review status: criteria provided, single submitter. Criteria: Ambry Variant Classification Scheme 2023. Collection method: clinical testing. Allele origin: germline.
Comment: The p.Y3924C variant (also known as c.11771A>G), located in coding exon 44 of the TTN gene, results from an A to G substitution at nucleotide position 11771. The tyrosine at codon 3924 is replaced by cysteine, an amino acid with highly dissimilar properties. This amino acid position is poorly conserved in available vertebrate species. In addition, this alteration is predicted to be tolerated by in silico analysis. Since supporting evidence is limited at this time, the clinical significance of this alteration remains unclear.

NM_001267550.2(TTN):c.12860A>G (p.Tyr4287Cys)

Gene: TTN (titin; minus strand). Cytogenetic location: 2q31.2.
Variant type: single nucleotide variant.
Coding change: c.12860A>G on transcript NM_001267550.2 (MANE Select); coding-DNA position 12860, A replaced by G.
Protein change: p.Tyr4287Cys; replaces tyrosine 4287 with cysteine.
Molecular consequence: missense variant. On other transcripts: intron variant (1).
Genome position (GRCh38, 1-based): chr2:178,740,373, T>C on the plus strand (A>G on the coding strand, the complement: TTN is on the minus strand). VCF-style: chr2-178740373-T-C. GRCh37 (hg19) VCF-style: chr2-179605100-T-C.
Other names: c.11909A>G, p.Tyr3970Cys (NM_001256850.1); c.11771A>G, p.Tyr3924Cys (NM_003319.4); c.12146A>G, p.Tyr4049Cys (NM_133432.3); c.12347A>G, p.Tyr4116Cys (NM_133437.4); c.10361-2013A>G (NM_133378.4); short protein forms Y3924C, Y4287C, Y4049C, Y4116C, Y3970C.
Identifiers: ClinVar variation 1740934 (VCV001740934.3), dbSNP rs183493501, ClinGen allele CA2002658.